The following is an entry in ClinVar:

NM_018896.5(CACNA1G):c.5204C>T (p.Thr1735Met)

Gene: CACNA1G (calcium voltage-gated channel subunit alpha1 G; plus strand). Cytogenetic location: 17q21.33.
Variant type: single nucleotide variant.
Coding change: c.5204C>T on transcript NM_018896.5 (MANE Select); coding-DNA position 5204, C replaced by T.
Protein change: p.Thr1735Met; replaces threonine 1735 with methionine.
Molecular consequence: missense variant. On other transcripts: non-coding transcript variant (5).
Genome position (GRCh38, 1-based): chr17:50,617,907, C>T. VCF-style: chr17-50617907-C-T. GRCh37 (hg19) VCF-style: chr17-48695268-C-T.
Other names: c.5150C>T, p.Thr1717Met (NM_001256324.2, NM_001256328.2, NM_198386.3); c.5225C>T, p.Thr1742Met (NM_001256325.2); c.5069C>T, p.Thr1690Met (NM_001256326.2, NM_001256330.2); c.5204C>T, p.Thr1735Met (NM_001256327.2, NM_001256333.2, NM_198384.3 and 1 more transcripts); c.5102C>T, p.Thr1701Met (NM_001256329.2, NM_198376.3, NM_198379.3 and 2 more transcripts); c.5048C>T, p.Thr1683Met (NM_001256331.2); c.5033C>T, p.Thr1678Met (NM_001256332.2); c.5171C>T, p.Thr1724Met (NM_001256334.2, NM_198377.3, NM_198378.3 and 1 more transcripts); and 5 more; short protein forms T1678M, T1683M, T1690M, T1694M, T1697M, T1699M, T1701M, T1708M.
Identifiers: ClinVar variation 1315041 (VCV001315041.2), dbSNP rs1451938756, ClinGen allele CA400263486.
Genomic context (GRCh38, chr17:50,617,907, plus strand): 5'-CCTGTTCTGCAGTGCTGAAGCTGCTGAAGATGGCTGTGGGCATGCGGGCGCTGCTGGACA[C>T]GGTGATGCAGGCCCTGCCCCAGGTAGCCGGGAGGTGGGGGGCCTCTGGGGAGGGGGAGGT-3'
Protein context (NP_061496.2, residues 1725-1745): MAVGMRALLD[Thr1735Met]VMQALPQVGN

ClinVar aggregate classification (germline): Uncertain significance (1 of 4 stars; one submission).

Allele frequency attached by ClinVar (database versions not stated): gnomAD exomes below 0.00001; TOPMed 0.00001.
gnomAD v4.1: 4 of 1,613,660 alleles (0.00025%); highest among the groups gnomAD compares: Non-Finnish European, 0.00034%; no homozygotes.

Submission:

GeneDx
Classification: Uncertain significance. Last evaluated: 2020-01-24. Review status: criteria provided, single submitter. Criteria: GeneDx Variant Classification Process June 2021. Collection method: clinical testing. Allele origin: germline. Affected: yes.
Comment: Not observed at a significant frequency in large population cohorts (Lek et al., 2016); In silico analysis, which includes protein predictors and evolutionary conservation, supports a deleterious effect; Has not been previously published as pathogenic or benign to our knowledge